The following is an entry in ClinVar:

ClinVar aggregate classification (germline): Uncertain significance (1 of 4 stars; one submission).

Allele frequency attached by ClinVar (database versions not stated): ExAC 0.00001; gnomAD exomes 0.00001; TOPMed 0.00002; gnomAD 0.00003; ESP Exome Variant Server 0.00008; 1000 Genomes Project 30x 0.00016.

Submission:

Labcorp Genetics (formerly Invitae), Labcorp
Classification: Uncertain significance. Last evaluated: 2025-06-01. Review status: criteria provided, single submitter. Criteria: Invitae Variant Classification Sherloc (09022015). Collection method: clinical testing. Allele origin: germline.
Comment: This sequence change replaces serine, which is neutral and polar, with arginine, which is basic and polar, at codon 420 of the KIF20A protein (p.Ser420Arg). This variant is present in population databases (rs368505414, gnomAD 0.008%). This variant has not been reported in the literature in individuals affected with KIF20A-related conditions. ClinVar contains an entry for this variant (Variation ID: 1363441). An algorithm developed to predict the effect of missense changes on protein structure and function (PolyPhen-2) suggests that this variant is likely to be disruptive. In summary, the available evidence is currently insufficient to determine the role of this variant in disease. Therefore, it has been classified as a Variant of Uncertain Significance.

NM_005733.3(KIF20A):c.1258A>C (p.Ser420Arg)

Gene: KIF20A (kinesin family member 20A; plus strand). Cytogenetic location: 5q31.2.
Variant type: single nucleotide variant.
Coding change: c.1258A>C on transcript NM_005733.3 (MANE Select); coding-DNA position 1258, A replaced by C.
Protein change: p.Ser420Arg; replaces serine 420 with arginine.
Molecular consequence: missense variant.
Genome position (GRCh38, 1-based): chr5:138,184,011, A>C. VCF-style: chr5-138184011-A-C. GRCh37 (hg19) VCF-style: chr5-137519700-A-C.
Other names: short protein forms S420R.
Identifiers: ClinVar variation 1363441 (VCV001363441.6), dbSNP rs368505414, ClinGen allele CA3426559.